The following is an entry in ClinVar:

NM_001276270.2(MBD4):c.1646A>G (p.Gln549Arg)

Gene: MBD4 (methyl-CpG binding domain 4, DNA glycosylase; minus strand). Cytogenetic location: 3q21.3.
Variant type: single nucleotide variant.
Coding change: c.1646A>G on transcript NM_001276270.2 (MANE Select); coding-DNA position 1646, A replaced by G.
Protein change: p.Gln549Arg; replaces glutamine 549 with arginine.
Molecular consequence: missense variant. On other transcripts: intron variant (1).
Genome position (GRCh38, 1-based): chr3:129,432,504, T>C on the plus strand (A>G on the coding strand, the complement: MBD4 is on the minus strand). VCF-style: chr3-129432504-T-C. GRCh37 (hg19) VCF-style: chr3-129151347-T-C.
Other names: c.1664A>G, p.Gln555Arg (NM_001276271.2, NM_003925.3); c.710A>G, p.Gln237Arg (NM_001276273.2); c.1612+52A>G (NM_001276272.2); short protein forms Q555R, Q237R, Q549R.
Identifiers: ClinVar variation 5024042 (VCV005024042.1).

ClinVar aggregate classification (germline): Uncertain significance (1 of 4 stars; one submission).

Conditions:
Inborn genetic diseases. Identifiers: MedGen C0950123, MeSH D030342.

gnomAD v4.1: 1 of 1,614,252 alleles (0.000062%); highest among the groups gnomAD compares: Non-Finnish European, 0.000085%; no homozygotes.

Submission:

Ambry Genetics
Classification: Uncertain significance for Inborn genetic diseases. Last evaluated: 2026-08-25. Review status: criteria provided, single submitter. Criteria: Ambry Variant Classification Scheme 2023. Collection method: clinical testing. Allele origin: germline.
Comment: The p.Q549R variant (also known as c.1646A>G), located in coding exon 7 of the MBD4 gene, results from an A to G substitution at nucleotide position 1646. The glutamine at codon 549 is replaced by arginine, an amino acid with highly similar properties. This amino acid position is not well conserved in available vertebrate species. In addition, this alteration is predicted to be tolerated by in silico analysis. Based on the available evidence, the clinical significance of this variant remains unclear.